The following is an entry in ClinVar:

NM_000057.4(BLM):c.833C>T (p.Ala278Val)

Gene: BLM (BLM RecQ like helicase; plus strand). Cytogenetic location: 15q26.1.
Variant type: single nucleotide variant.
Coding change: c.833C>T on transcript NM_000057.4 (MANE Select); coding-DNA position 833, C replaced by T.
Protein change: p.Ala278Val; replaces alanine 278 with valine.
Molecular consequence: missense variant. On other transcripts: 5 prime UTR variant (1).
Genome position (GRCh38, 1-based): chr15:90,751,820, C>T. VCF-style: chr15-90751820-C-T. GRCh37 (hg19) VCF-style: chr15-91295050-C-T.
Other names: c.833C>T (NM_000057.3); c.833C>T, p.Ala278Val (NM_001287246.2, NM_001287247.2); c.-459C>T (NM_001287248.2); short protein forms A278V.
Identifiers: ClinVar variation 1023799 (VCV001023799.10), dbSNP rs1895692100, ClinGen allele CA393841690.
Genomic context (GRCh38, chr15:90,751,820, plus strand): 5'-CTATGTTTATCAACTGTTTTACTGTAGATAATAGCGAAAAGAAGAAGAATTTGGAAGAAG[C>T]TGAATTACATTCAACTGAGAAAGTTCCATGTATTGAATTTGATGATGATGATTATGATAC-3'
Protein context (NP_000048.1, residues 268-288): NSEKKKNLEE[Ala278Val]ELHSTEKVPC

ClinVar aggregate classification (germline): Uncertain significance. Review status: criteria provided, single submitter (1 of 4 stars). 2 submissions from 2 submitters: Uncertain significance (1). 1 of the submissions does not count toward it. Last evaluated 2020-06-06.

Conditions:
Bloom syndrome (BLM). Also called: Bloom-Torre-Machacek syndrome. Identifiers: Orphanet 125, MedGen C0005859, MONDO:0008876, OMIM 210900.

Submissions (2):

Labcorp Genetics (formerly Invitae), Labcorp
Classification: Uncertain significance for Bloom syndrome. Last evaluated: 2020-06-06. Review status: criteria provided, single submitter. Criteria: Invitae Variant Classification Sherloc (09022015). Collection method: clinical testing. Allele origin: germline.
Comment: In summary, the available evidence is currently insufficient to determine the role of this variant in disease. Therefore, it has been classified as a Variant of Uncertain Significance. Algorithms developed to predict the effect of missense changes on protein structure and function output the following: SIFT: "Tolerated"; PolyPhen-2: "Benign"; Align-GVGD: "Class C0". The valine amino acid residue is found in multiple mammalian species, suggesting that this missense change does not adversely affect protein function. These predictions have not been confirmed by published functional studies and their clinical significance is uncertain. This variant has not been reported in the literature in individuals with BLM-related conditions. This variant is not present in population databases (ExAC no frequency). This sequence change replaces alanine with valine at codon 278 of the BLM protein (p.Ala278Val). The alanine residue is weakly conserved and there is a small physicochemical difference between alanine and valine.

Natera, Inc.
Classification: Uncertain significance for Bloom syndrome. Last evaluated: 2025-04-10. Review status: no assertion criteria provided. Collection method: clinical testing. Allele origin: germline. Not counted in ClinVar's aggregate classification.